The following is an entry in ClinVar:

ClinVar aggregate classification (germline): Uncertain significance. Review status: criteria provided, multiple submitters, no conflicts (2 of 4 stars). 4 submissions from 4 submitters: Uncertain significance (4). Last evaluated 2025-03-04.

Conditions:
Hereditary cancer-predisposing syndrome. Also called: Hereditary neoplastic syndrome; Tumor predisposition; Neoplastic Syndromes, Hereditary; Hereditary Cancer Syndrome. Identifiers: Orphanet 140162, MedGen C0027672, MeSH D009386, MONDO:0015356.
Endometrial carcinoma. Also called: Endometrial carcinoma, somatic. Identifiers: MedGen C0476089, MONDO:0002447, OMIM 608089, HP:0012114.

Allele frequency attached by ClinVar (database versions not stated): TOPMed 0.00001.

Submissions (4):

Center for Genomic Medicine, Rigshospitalet, Copenhagen University Hospital
Classification: Uncertain significance. Last evaluated: 2025-03-04. Review status: criteria provided, single submitter. Criteria: ACMG Guidelines, 2015. Collection method: clinical testing. Allele origin: germline.

Labcorp Genetics (formerly Invitae), Labcorp
Classification: Uncertain significance. Last evaluated: 2023-11-02. Review status: criteria provided, single submitter. Criteria: Invitae Variant Classification Sherloc (09022015). Collection method: clinical testing. Allele origin: germline.
Comment: This sequence change replaces tryptophan, which is neutral and slightly polar, with arginine, which is basic and polar, at codon 1111 of the MSH3 protein (p.Trp1111Arg). This variant is not present in population databases (gnomAD no frequency). This variant has not been reported in the literature in individuals affected with MSH3-related conditions. ClinVar contains an entry for this variant (Variation ID: 1697509). An algorithm developed to predict the effect of missense changes on protein structure and function (PolyPhen-2) suggests that this variant is likely to be disruptive. In summary, the available evidence is currently insufficient to determine the role of this variant in disease. Therefore, it has been classified as a Variant of Uncertain Significance.

Baylor Genetics
Classification: Uncertain significance for Endometrial carcinoma. Last evaluated: 2023-07-24. Review status: criteria provided, single submitter. Criteria: ACMG Guidelines, 2015. Collection method: clinical testing. Allele origin: unknown.

Ambry Genetics
Classification: Uncertain significance for Hereditary cancer-predisposing syndrome. Last evaluated: 2020-12-10. Review status: criteria provided, single submitter. Criteria: Ambry Variant Classification Scheme 2023. Collection method: clinical testing. Allele origin: germline.
Comment: The p.W1111R variant (also known as c.3331T>C), located in coding exon 24 of the MSH3 gene, results from a T to C substitution at nucleotide position 3331. The tryptophan at codon 1111 is replaced by arginine, an amino acid with dissimilar properties. This amino acid position is highly conserved in available vertebrate species. In addition, this alteration is predicted to be deleterious by in silico analysis. Since supporting evidence is limited at this time, the clinical significance of this alteration remains unclear.

NM_002439.5(MSH3):c.3331T>C (p.Trp1111Arg)

Gene: MSH3 (mutS homolog 3; plus strand). Cytogenetic location: 5q14.1.
Variant type: single nucleotide variant.
Coding change: c.3331T>C on transcript NM_002439.5 (MANE Select); coding-DNA position 3331, T replaced by C.
Protein change: p.Trp1111Arg; replaces tryptophan 1111 with arginine.
Molecular consequence: missense variant.
Genome position (GRCh38, 1-based): chr5:80,875,779, T>C. VCF-style: chr5-80875779-T-C. GRCh37 (hg19) VCF-style: chr5-80171598-T-C.
Other names: c.3331T>C (NM_002439.3); short protein forms W1111R.
Identifiers: ClinVar variation 1697509 (VCV001697509.15), dbSNP rs1459678591, ClinGen allele CA360347326.
Genomic context (GRCh38, chr5:80,875,779, plus strand): 5'-TATTAAATAAGTAGTATTTGATTTTTCCCCAGAAAGAGACTCAAGTATTTTGCAAAGTTA[T>C]GGACGATGCATAATGCACAAGACCTGCAGAAGTGGACAGAGGAGTTCAACATGGAAGAAA-3'
Protein context (NP_002430.3, residues 1101-1121): RKRLKYFAKL[Trp1111Arg]TMHNAQDLQK